The following is an entry in ClinVar:

ClinVar aggregate classification (germline): Pathogenic (1 of 4 stars; one submission).

Conditions:
Familial infantile myasthenia (CMS6). Also called: MYASTHENIC SYNDROME, PRESYNAPTIC, CONGENITAL, ASSOCIATED WITH EPISODIC APNEA; MYASTHENIC SYNDROME, CONGENITAL, 6, PRESYNAPTIC; Congenital myasthenic syndrome type 6. Identifiers: Orphanet 590, MedGen C0393929, MONDO:0009689, OMIM 254210.

Submission:

Labcorp Genetics (formerly Invitae), Labcorp
Classification: Pathogenic for Familial infantile myasthenia. Last evaluated: 2023-09-19. Review status: criteria provided, single submitter. Criteria: Invitae Variant Classification Sherloc (09022015). Collection method: clinical testing. Allele origin: germline.
Comment: For these reasons, this variant has been classified as Pathogenic. This variant has not been reported in the literature in individuals affected with CHAT-related conditions. This variant is not present in population databases (gnomAD no frequency). This sequence change creates a premature translational stop signal (p.Pro480Glyfs*14) in the CHAT gene. It is expected to result in an absent or disrupted protein product. Loss-of-function variants in CHAT are known to be pathogenic (PMID: 12548525, 21786365, 23292760).

Literature cited by the submitters: PubMed 12548525; PubMed 21786365; PubMed 23292760.

NM_020549.5(CHAT):c.1438_1444del (p.Pro480fs)

Gene: CHAT (choline O-acetyltransferase; plus strand). Cytogenetic location: 10q11.23.
Variant type: Deletion.
Coding change: c.1438_1444del on transcript NM_020549.5 (MANE Select); coding-DNA positions 1438 to 1444, 7 bases deleted (CCCCGGA; older notation c.1438_1444delCCCCGGA).
Protein change: p.Pro480fs; shifts the reading frame from proline 480.
Molecular consequence: frameshift variant.
Genome position (GRCh38, 1-based): chr10:49,649,563-49,649,569, CCCCGGA deleted. VCF-style (leftmost placement, unchanged base first): chr10-49649562-CCCCCGGA-C. GRCh37 (hg19) VCF-style: chr10-50857608-CCCCCGGA-C.
Other names: c.1084_1090del, p.Pro362fs (NM_001142929.2, NM_001142934.2, NM_020984.4 and 2 more transcripts); c.1192_1198del, p.Pro398fs (NM_001142933.2); short protein forms P398fs, P480fs, P362fs.
Identifiers: ClinVar variation 2761877 (VCV002761877.3), dbSNP rs2538864220, ClinGen allele CA2697558344.